The following is an entry in ClinVar:

NM_052844.4(DYNC2I2):c.745C>T (p.Arg249Cys)

Genes: DYNC2I2 (dynein 2 intermediate chain 2; minus strand), LOC126860772 (CDK7 strongly-dependent group 2 enhancer GRCh37_chr9:131396972-131398171; plus strand). Cytogenetic location: 9q34.11.
Variant type: single nucleotide variant.
Coding change: c.745C>T on transcript NM_052844.4 (MANE Select); coding-DNA position 745, C replaced by T.
Protein change: p.Arg249Cys; replaces arginine 249 with cysteine.
Molecular consequence: missense variant.
Genome position (GRCh38, 1-based): chr9:128,635,726, G>A on the plus strand (C>T on the coding strand, the complement: DYNC2I2 is on the minus strand). VCF-style: chr9-128635726-G-A. GRCh37 (hg19) VCF-style: chr9-131398005-G-A.
Other names: c.745C>T (NM_052844.3); short protein forms R249C.
Identifiers: ClinVar variation 1681229 (VCV001681229.5), dbSNP rs146276335, ClinGen allele CA5266487.

ClinVar aggregate classification (germline): Uncertain significance. Review status: criteria provided, multiple submitters, no conflicts (2 of 4 stars). 2 submissions from 2 submitters: Uncertain significance (2). Last evaluated 2025-04-30.

Conditions:
Short-rib thoracic dysplasia 11 with or without polydactyly (SRTD11). Also called: SHORT-RIB THORACIC DYSPLASIA 11 WITHOUT POLYDACTYLY. Identifiers: Orphanet 474, Orphanet 93271, MedGen C3810200, MONDO:0014287, OMIM 615633.
Inborn genetic diseases. Identifiers: MedGen C0950123, MeSH D030342.

Allele frequency attached by ClinVar (database versions not stated): gnomAD 0.00002 and 0.00003; gnomAD exomes 0.00003; ExAC 0.00006; TOPMed 0.00005; 1000 Genomes Project 0.00020; ESP Exome Variant Server 0.00008; 1000 Genomes Project 30x 0.00016.
gnomAD v4.1: 65 of 1,613,120 alleles (0.004%); highest among the groups gnomAD compares: East Asian, 0.11%; no homozygotes.

Submissions (2):

Ambry Genetics
Classification: Uncertain significance for Inborn genetic diseases. Last evaluated: 2025-04-30. Review status: criteria provided, single submitter. Criteria: Ambry Variant Classification Scheme 2023. Collection method: clinical testing. Allele origin: germline.

Labcorp Genetics (formerly Invitae), Labcorp
Classification: Uncertain significance for Short-rib thoracic dysplasia 11 with or without polydactyly. Last evaluated: 2023-08-10. Review status: criteria provided, single submitter. Criteria: Invitae Variant Classification Sherloc (09022015). Collection method: clinical testing. Allele origin: germline.
Comment: An algorithm developed to predict the effect of missense changes on protein structure and function (PolyPhen-2) suggests that this variant¬†is likely to be tolerated. In summary, the available evidence is currently insufficient to determine the role of this variant in disease. Therefore, it has been classified as a Variant of Uncertain Significance. ClinVar contains an entry for this variant (Variation ID: 1681229). This variant has not been reported in the literature in individuals affected with WDR34-related conditions. This variant is present in population databases (rs146276335, gnomAD 0.03%). This sequence change replaces arginine, which is basic and polar, with cysteine, which is neutral and slightly polar, at codon 249 of the WDR34 protein (p.Arg249Cys).